The following is an entry in ClinVar:

NM_004370.6(COL12A1):c.9073C>T (p.Pro3025Ser)

Gene: COL12A1 (collagen type XII alpha 1 chain; minus strand). Cytogenetic location: 6q13.
Variant type: single nucleotide variant.
Coding change: c.9073C>T on transcript NM_004370.6 (MANE Select); coding-DNA position 9073, C replaced by T.
Protein change: p.Pro3025Ser; replaces proline 3025 with serine.
Molecular consequence: missense variant.
Genome position (GRCh38, 1-based): chr6:75,087,685, G>A on the plus strand (C>T on the coding strand, the complement: COL12A1 is on the minus strand). VCF-style: chr6-75087685-G-A. GRCh37 (hg19) VCF-style: chr6-75797401-G-A.
Other names: c.5581C>T, p.Pro1861Ser (NM_080645.3); short protein forms P1861S, P3025S.
Identifiers: ClinVar variation 1505241 (VCV001505241.8), dbSNP rs560180665, ClinGen allele CA140995864.

ClinVar aggregate classification (germline): Uncertain significance (1 of 4 stars; one submission).

Conditions:
Ullrich congenital muscular dystrophy 2 (UCMD2). Identifiers: Orphanet 75840, MedGen C4225314, MONDO:0014654, OMIM 616470.
Bethlem myopathy 2 (BTHLM2). Identifiers: Orphanet 536516, Orphanet 610, MedGen C4225313, MONDO:0034022, OMIM 616471.

gnomAD v4.1: 1 of 1,610,242 alleles (0.000062%); highest among the groups gnomAD compares: East Asian, 0.0022%; no homozygotes.

Submission:

Labcorp Genetics (formerly Invitae), Labcorp
Classification: Uncertain significance for Bethlem myopathy 2; Ullrich congenital muscular dystrophy 2. Last evaluated: 2022-08-09. Review status: criteria provided, single submitter. Criteria: Invitae Variant Classification Sherloc (09022015). Collection method: clinical testing. Allele origin: germline.
Comment: This variant has not been reported in the literature in individuals affected with COL12A1-related conditions. This variant is present in population databases (no rsID available, gnomAD 0.006%). This sequence change replaces proline, which is neutral and non-polar, with serine, which is neutral and polar, at codon 3025 of the COL12A1 protein (p.Pro3025Ser). In summary, the available evidence is currently insufficient to determine the role of this variant in disease. Therefore, it has been classified as a Variant of Uncertain Significance. Algorithms developed to predict the effect of missense changes on protein structure and function are either unavailable or do not agree on the potential impact of this missense change (SIFT: "Deleterious"; PolyPhen-2: "Probably Damaging"; Align-GVGD: "Class C0"). ClinVar contains an entry for this variant (Variation ID: 1505241).